The following is an entry in ClinVar:

NM_003573.2(LTBP4):c.194G>A (p.Arg65Lys)

Gene: LTBP4 (latent transforming growth factor beta binding protein 4; plus strand). Cytogenetic location: 19q13.2.
Variant type: single nucleotide variant.
Coding change: c.194G>A on transcript NM_003573.2; coding-DNA position 194, G replaced by A.
Protein change: p.Arg65Lys; replaces arginine 65 with lysine.
Molecular consequence: missense variant.
Genome position (GRCh38, 1-based): chr19:40,599,520, G>A. VCF-style: chr19-40599520-G-A. GRCh37 (hg19) VCF-style: chr19-41105426-G-A.
Other names: c.305G>A, p.Arg102Lys (NM_001042544.1); short protein forms R65K, R102K.
Identifiers: ClinVar variation 329299 (VCV000329299.11), dbSNP rs200951126, ClinGen allele CA9447957.

ClinVar aggregate classification (germline): Uncertain significance. Review status: criteria provided, multiple submitters, no conflicts (2 of 4 stars). 3 submissions from 3 submitters: Uncertain significance (3). Last evaluated 2025-01-27.

Conditions:
Cutis laxa with severe pulmonary, gastrointestinal and urinary anomalies. Also called: LTBP4-Related Cutis Laxa; Cutis laxa, autosomal recessive, type IC; URBAN-RIFKIN-DAVIS SYNDROME. Identifiers: Orphanet 221145, MedGen C2750804, MONDO:0013170, OMIM 613177. Disease mechanism: loss of function.

Allele frequency attached by ClinVar (database versions not stated): gnomAD 0.00004 and 0.00003; gnomAD exomes 0.00004 and 0.00015; ESP Exome Variant Server 0.00016; TOPMed 0.00004; ExAC 0.00005.
gnomAD v4.1: 219 of 1,612,308 alleles (0.014%); highest among the groups gnomAD compares: Non-Finnish European, 0.018%; no homozygotes.

Submissions (3):

Labcorp Genetics (formerly Invitae), Labcorp
Classification: Uncertain significance. Last evaluated: 2025-01-27. Review status: criteria provided, single submitter. Criteria: Invitae Variant Classification Sherloc (09022015). Collection method: clinical testing. Allele origin: germline.
Comment: This sequence change replaces arginine, which is basic and polar, with lysine, which is basic and polar, at codon 65 of the LTBP4 protein (p.Arg65Lys). This variant is present in population databases (rs200951126, gnomAD 0.008%). This variant has not been reported in the literature in individuals affected with LTBP4-related conditions. ClinVar contains an entry for this variant (Variation ID: 329299). Experimental studies and prediction algorithms are not available or were not evaluated, and the functional significance of this variant is currently unknown. In summary, the available evidence is currently insufficient to determine the role of this variant in disease. Therefore, it has been classified as a Variant of Uncertain Significance.

GeneDx
Classification: Uncertain significance. Last evaluated: 2024-04-24. Review status: criteria provided, single submitter. Criteria: GeneDx Variant Classification Process June 2021. Collection method: clinical testing. Allele origin: germline. Affected: yes.
Comment: Not observed at significant frequency in large population cohorts (gnomAD); In silico analysis indicates that this missense variant does not alter protein structure/function; Has not been previously published as pathogenic or benign to our knowledge

Illumina Laboratory Services, Illumina
Classification: Uncertain significance for Cutis laxa with severe pulmonary, gastrointestinal and urinary anomalies. Last evaluated: 2018-01-13. Review status: criteria provided, single submitter. Criteria: ICSL Variant Classification Criteria 13 December 2019. Collection method: clinical testing. Allele origin: germline.